The following is an entry in ClinVar:

ClinVar aggregate classification (germline): Uncertain significance (1 of 4 stars; one submission).

Conditions:
Autosomal recessive limb-girdle muscular dystrophy type 2D (LGMDR3). Also called: ADHALINOPATHY, PRIMARY; MUSCULAR DYSTROPHY, LIMB-GIRDLE, AUTOSOMAL RECESSIVE 3; DUCHENNE-LIKE AUTOSOMAL RECESSIVE MUSCULAR DYSTROPHY, TYPE 2. Identifiers: Orphanet 62, MedGen C2936332, MONDO:0011968, OMIM 608099. Disease mechanism: Affects gamma-sarcoglycan and also disrupts the integrity of the entire sarcoglycan complex..

Allele frequency attached by ClinVar (database versions not stated): gnomAD exomes below 0.00001; ExAC 0.00001.
gnomAD v4.1: 3 of 1,613,038 alleles (0.00019%); highest among the groups gnomAD compares: Non-Finnish European, 0.00017%; no homozygotes.

Submission:

Labcorp Genetics (formerly Invitae), Labcorp
Classification: Uncertain significance for Autosomal recessive limb-girdle muscular dystrophy type 2D. Last evaluated: 2022-04-13. Review status: criteria provided, single submitter. Criteria: Invitae Variant Classification Sherloc (09022015). Collection method: clinical testing. Allele origin: germline.
Comment: This sequence change replaces glutamic acid, which is acidic and polar, with lysine, which is basic and polar, at codon 369 of the SGCA protein (p.Glu369Lys). This variant is present in population databases (rs750104371, gnomAD 0.0009%). This variant has not been reported in the literature in individuals affected with SGCA-related conditions. Advanced modeling of protein sequence and biophysical properties (such as structural, functional, and spatial information, amino acid conservation, physicochemical variation, residue mobility, and thermodynamic stability) performed at Invitae indicates that this missense variant is expected to disrupt SGCA protein function. Algorithms developed to predict the effect of sequence changes on RNA splicing suggest that this variant may disrupt the consensus splice site. In summary, the available evidence is currently insufficient to determine the role of this variant in disease. Therefore, it has been classified as a Variant of Uncertain Significance.

NM_000023.4(SGCA):c.1105G>A (p.Glu369Lys)

Gene: SGCA (sarcoglycan alpha; plus strand). Cytogenetic location: 17q21.33.
Variant type: single nucleotide variant.
Coding change: c.1105G>A on transcript NM_000023.4 (MANE Select); coding-DNA position 1105, G replaced by A.
Protein change: p.Glu369Lys; replaces glutamic acid 369 with lysine.
Molecular consequence: missense variant. On other transcripts: non-coding transcript variant (1).
Genome position (GRCh38, 1-based): chr17:50,175,378, G>A. VCF-style: chr17-50175378-G-A. GRCh37 (hg19) VCF-style: chr17-48252739-G-A.
Other names: c.733G>A, p.Glu245Lys (NM_001135697.3); short protein forms E245K, E369K.
Identifiers: ClinVar variation 2105971 (VCV002105971.1), dbSNP rs750104371, ClinGen allele CA8644085.